The following is an entry in ClinVar:

ClinVar aggregate classification (germline): Uncertain significance (1 of 4 stars; one submission).

Conditions:
Spondyloepiphyseal dysplasia with congenital joint dislocations (SEDCJD). Also called: Chondrodysplasia with Congenital Joint Dislocations, CHST3-Related. Identifiers: Orphanet 263463, MedGen C1837657, MONDO:0007738, OMIM 143095.

Submission:

Labcorp Genetics (formerly Invitae), Labcorp
Classification: Uncertain significance for Spondyloepiphyseal dysplasia with congenital joint dislocations. Last evaluated: 2024-02-24. Review status: criteria provided, single submitter. Criteria: Invitae Variant Classification Sherloc (09022015). Collection method: clinical testing. Allele origin: germline.
Comment: This sequence change replaces leucine, which is neutral and non-polar, with methionine, which is neutral and non-polar, at codon 7 of the CHST3 protein (p.Leu7Met). This variant is not present in population databases (gnomAD no frequency). This variant has not been reported in the literature in individuals affected with CHST3-related conditions. ClinVar contains an entry for this variant (Variation ID: 1477983). Algorithms developed to predict the effect of missense changes on protein structure and function output the following: SIFT: "Not Available"; PolyPhen-2: "Benign"; Align-GVGD: "Not Available". The methionine amino acid residue is found in multiple mammalian species, which suggests that this missense change does not adversely affect protein function. In summary, the available evidence is currently insufficient to determine the role of this variant in disease. Therefore, it has been classified as a Variant of Uncertain Significance.

NM_004273.5(CHST3):c.19T>A (p.Leu7Met)

Gene: CHST3 (carbohydrate sulfotransferase 3; plus strand). Cytogenetic location: 10q22.1.
Variant type: single nucleotide variant.
Coding change: c.19T>A on transcript NM_004273.5 (MANE Select); coding-DNA position 19, T replaced by A.
Protein change: p.Leu7Met; replaces leucine 7 with methionine.
Molecular consequence: missense variant.
Genome position (GRCh38, 1-based): chr10:72,005,861, T>A. VCF-style: chr10-72005861-T-A. GRCh37 (hg19) VCF-style: chr10-73765619-T-A.
Other names: short protein forms L7M.
Identifiers: ClinVar variation 1477983 (VCV001477983.6), dbSNP rs2131772503, ClinGen allele CA377139002.
Genomic context (GRCh38, chr10:72,005,861, plus strand): 5'-CCAAGGCTGGCCCGAGGAGCCCCCACGGCCCCACCTTTCCCCATGGAGAAAGGACTCACT[T>A]TGCCCCAGGACTGCCGGGACTTTGTGCACAGCCTGAAGATGAGAAGCAAATACGCCCTTT-3'
Protein context (NP_004264.2, residues 1-17): MEKGLT[Leu7Met]PQDCRDFVHS